The following is an entry in ClinVar:

NM_004612.4(TGFBR1):c.379G>T (p.Ala127Ser)

Gene: TGFBR1 (transforming growth factor beta receptor 1; plus strand). Cytogenetic location: 9q22.33.
Variant type: single nucleotide variant.
Coding change: c.379G>T on transcript NM_004612.4 (MANE Select); coding-DNA position 379, G replaced by T.
Protein change: p.Ala127Ser; replaces alanine 127 with serine.
Molecular consequence: missense variant. On other transcripts: non-coding transcript variant (4), intron variant (3).
Genome position (GRCh38, 1-based): chr9:99,132,544, G>T. VCF-style: chr9-99132544-G-T. GRCh37 (hg19) VCF-style: chr9-101894826-G-T.
Other names: c.391G>T, p.Ala131Ser (NM_001306210.2, NM_001407416.1); c.379G>T, p.Ala127Ser (NM_001407417.1, NM_001407435.1); c.184G>T, p.Ala62Ser (NM_001407418.1, NM_001407419.1, NM_001407420.1 and 1 more transcripts); c.172G>T, p.Ala58Ser (NM_001407423.1, NM_001407424.1, NM_001407425.1 and 8 more transcripts); c.133G>T, p.Ala45Ser (NM_001407436.1); c.343+3444G>T (NM_001130916.3); c.98-5315G>T (NM_001407438.1); c.98-9992G>T (NM_001407437.1); short protein forms A127S, A131S, A45S, A58S, A62S.
Identifiers: ClinVar variation 3386039 (VCV003386039.1).

ClinVar aggregate classification (germline): Uncertain significance (1 of 4 stars; one submission).

Conditions:
Loeys-Dietz syndrome (LDS). Identifiers: Orphanet 60030, MedGen C2697932, MONDO:0018954.

gnomAD v4.1: 1 of 1,614,128 alleles (0.000062%); highest among the groups gnomAD compares: Non-Finnish European, 0.000085%; no homozygotes.

Submission:

All of Us Research Program, National Institutes of Health
Classification: Uncertain significance for Loeys-Dietz syndrome. Last evaluated: 2024-05-30. Review status: criteria provided, single submitter. Criteria: ACMG Guidelines, 2015. Collection method: clinical testing. Allele origin: germline. Inheritance: Autosomal dominant inheritance. Observed: 1 variant allele, 1 heterozygote.
Comment: This missense variant replaces alanine with serine at codon 127 of the TGFBR1 protein. Computational prediction is inconclusive regarding the impact of this variant on protein structure and function (internally defined REVEL score threshold 0.5 < inconclusive < 0.7, PMID: 27666373). To our knowledge, functional studies have not been reported for this variant. This variant has not been reported in individuals affected with TGFBR1-related disorders in the literature. This variant has not been identified in the general population by the Genome Aggregation Database (gnomAD). The available evidence is insufficient to determine the role of this variant in disease conclusively. Therefore, this variant is classified as a Variant of Uncertain Significance.

This study involves interpretation of variants in research participants for the purpose of population health screening. Participant phenotype was not available at the time of variant classification. Additional details can be found in publication PMID: 35346344, PMCID: PMC8962531